The following is an entry in ClinVar:

ClinVar aggregate classification (germline): Pathogenic (1 of 4 stars; one submission).

Conditions:
Amelogenesis imperfecta type 1G (AI1G). Also called: ENAMEL-RENAL-GINGIVAL SYNDROME; AMELOGENESIS IMPERFECTA, HYPOPLASTIC, WITH NEPHROCALCINOSIS; AMELOGENESIS IMPERFECTA, TYPE IG; AMELOGENESIS IMPERFECTA, HYPOPLASTIC, AND NEPHROCALCINOSIS; Amelogenesis imperfecta-gingival hyperplasia syndrome; Amelogenesis imperfecta hypoplastic type, IG. Identifiers: Orphanet 1031, Orphanet 171836, MedGen C2931783, MONDO:0008771, OMIM 204690. Disease mechanism: loss of function.

Submission:

Center of Excellence in Precision Medicine and Digital Health (CEPMDH), Faculty of Dentistry, Chulalongkorn University
Classification: Pathogenic for Amelogenesis imperfecta type 1G. Review status: criteria provided, single submitter. Criteria: ACMG Guidelines, 2015. Collection method: clinical testing. Allele origin: maternal, germline. Inheritance: Autosomal recessive inheritance. Affected: yes and no. Observed: 2 variant alleles, 1 heterozygote, 1 compound heterozygote.

Literature cited by the submitters: PubMed 32246227.

NC_000017.11:g.68534268_68541798del

Genes: FAM20A (FAM20A golgi associated secretory pathway pseudokinase; minus strand), PRKAR1A (protein kinase cAMP-dependent type I regulatory subunit alpha; plus strand). Cytogenetic location: 17q24.2.
Variant type: Deletion.
Genome position: GRCh38: chr17:68,534,268-68,541,798. GRCh37 (hg19): chr17:66,530,409-66,537,939.
Other names: c.973+4267_974-9286del (NM_001276290.1).
Identifiers: ClinVar variation 1691825 (VCV001691825.2), ClinGen allele CA2573154761.